The following is an entry in ClinVar:

NM_000363.5(TNNI3):c.283-19C>G

Gene: TNNI3 (troponin I3, cardiac type; minus strand). Cytogenetic location: 19q13.42.
Variant type: single nucleotide variant.
Coding change: c.283-19C>G on transcript NM_000363.5 (MANE Select); 19 bases into the intron before coding-DNA position 283, C replaced by G.
Molecular consequence: intron variant.
Genome position (GRCh38, 1-based): chr19:55,154,849, G>C on the plus strand (C>G on the coding strand, the complement: TNNI3 is on the minus strand). VCF-style: chr19-55154849-G-C. GRCh37 (hg19) VCF-style: chr19-55666217-G-C.
Identifiers: ClinVar variation 3725259 (VCV003725259.3).

ClinVar aggregate classification (germline): Likely benign. Review status: criteria provided, multiple submitters, no conflicts (2 of 4 stars). 2 submissions from 2 submitters: Likely benign (2). Last evaluated 2025-05-31.

Conditions:
Hypertrophic cardiomyopathy. Also called: HYPERTROPHIC MYOCARDIOPATHY. Identifiers: Orphanet 217569, MedGen C0007194, MeSH D002312, MONDO:0005045, HP:0001639.

Submissions (2):

Women's Health and Genetics/Laboratory Corporation of America, LabCorp
Classification: Likely benign. Last evaluated: 2025-05-31. Review status: criteria provided, single submitter. Criteria: LabCorp Variant Classification Summary - May 2015. Collection method: clinical testing. Allele origin: germline.
Comment: Variant summary: TNNI3 c.283-19C>G alters a nucleotide located at a position not widely known to affect splicing. Consensus agreement among computation tools predict no significant impact on normal splicing. However, these predictions have yet to be confirmed by functional studies. The variant was absent in 249166 control chromosomes. The available data on variant occurrences in the general population are insufficient to allow any conclusion about variant significance. To our knowledge, no occurrence of c.283-19C>G in individuals affected with Cardiomyopathy and no experimental evidence demonstrating its impact on protein function have been reported. ClinVar contains an entry for this variant (Variation ID: 3725259). Based on the evidence outlined above, the variant was classified as likely benign.

Labcorp Genetics (formerly Invitae), Labcorp
Classification: Likely benign for Hypertrophic cardiomyopathy. Last evaluated: 2024-02-02. Review status: criteria provided, single submitter. Criteria: Invitae Variant Classification Sherloc (09022015). Collection method: clinical testing. Allele origin: germline.